The following is an entry in ClinVar:

NM_001008536.2(TCHHL1):c.2244T>C (p.Asp748=)

Gene: TCHHL1 (trichohyalin like 1; minus strand). Cytogenetic location: 1q21.3.
Variant type: single nucleotide variant.
Coding change: c.2244T>C on transcript NM_001008536.2 (MANE Select); coding-DNA position 2244, T replaced by C.
Protein change: p.Asp748=; no amino-acid change (aspartic acid 748 retained).
Molecular consequence: synonymous variant.
Genome position (GRCh38, 1-based): chr1:152,085,438, A>G on the plus strand (T>C on the coding strand, the complement: TCHHL1 is on the minus strand). VCF-style: chr1-152085438-A-G. GRCh37 (hg19) VCF-style: chr1-152057914-A-G.
Identifiers: ClinVar variation 767701 (VCV000767701.27), dbSNP rs140803281, ClinGen allele CA1096997.

ClinVar aggregate classification (germline): Benign/Likely benign. Review status: criteria provided, multiple submitters, no conflicts (2 of 4 stars). 2 submissions from 2 submitters: Benign (1); Likely benign (1). Last evaluated 2022-03-01.

Allele frequency attached by ClinVar (database versions not stated): 1000 Genomes Project 30x 0.00312; 1000 Genomes Project 0.00359; ESP Exome Variant Server 0.00454; TOPMed 0.00493; gnomAD 0.00715 and 0.00759.
gnomAD v4.1: 12,541 of 1,614,048 alleles (0.78%); highest among the groups gnomAD compares: Non-Finnish European, 0.81%; 79 homozygotes.

Submissions (2):

CeGaT Center for Human Genetics Tuebingen
Classification: Likely benign. Last evaluated: 2022-03-01. Review status: criteria provided, single submitter. Criteria: CeGaT Center For Human Genetics Tuebingen Variant Classification Criteria Version 2. Collection method: clinical testing. Allele origin: germline. Affected: yes. Observed: 1 variant allele.
Comment: TCHHL1: BP4, BP7

Labcorp Genetics (formerly Invitae), Labcorp
Classification: Benign. Last evaluated: 2018-03-29. Review status: criteria provided, single submitter. Criteria: Invitae Variant Classification Sherloc (09022015). Collection method: clinical testing. Allele origin: germline.